The following is an entry in ClinVar:

NM_199420.4(POLQ):c.3029C>G (p.Thr1010Arg)

Gene: POLQ (DNA polymerase theta; minus strand). Cytogenetic location: 3q13.33.
Variant type: single nucleotide variant.
Coding change: c.3029C>G on transcript NM_199420.4 (MANE Select); coding-DNA position 3029, C replaced by G.
Protein change: p.Thr1010Arg; replaces threonine 1010 with arginine.
Molecular consequence: missense variant.
Genome position (GRCh38, 1-based): chr3:121,489,902, G>C on the plus strand (C>G on the coding strand, the complement: POLQ is on the minus strand). VCF-style: chr3-121489902-G-C. GRCh37 (hg19) VCF-style: chr3-121208749-G-C.
Other names: short protein forms T1010R.
Identifiers: ClinVar variation 1798990 (VCV001798990.2), dbSNP rs56104120, ClinGen allele CA354103361.

ClinVar aggregate classification (germline): Uncertain significance (1 of 4 stars; one submission).

Submission:

Ambry Genetics
Classification: Uncertain significance. Last evaluated: 2021-08-18. Review status: criteria provided, single submitter. Criteria: Ambry Variant Classification Scheme 2023. Collection method: clinical testing. Allele origin: germline.
Comment: The p.T1010R variant (also known as c.3029C>G), located in coding exon 16 of the POLQ gene, results from a C to G substitution at nucleotide position 3029. The threonine at codon 1010 is replaced by arginine, an amino acid with similar properties. This amino acid position is conserved. In addition, this alteration is predicted to be tolerated by in silico analysis. Since supporting evidence is limited at this time, the clinical significance of this alteration remains unclear.